The following is an entry in ClinVar:

ClinVar aggregate classification (germline): Conflicting classifications of pathogenicity. Review status: criteria provided, conflicting classifications (1 of 4 stars). 2 submissions from 2 submitters: Likely pathogenic (1); Uncertain significance (1). Last evaluated 2025-12-19.

Conditions:
OTOGL-related disorder. Also called: OTOGL-related condition.
Autosomal recessive nonsyndromic hearing loss 84B. Also called: Deafness, autosomal recessive 84b. Identifiers: Orphanet 90636, MedGen C3554159, MONDO:0013984, OMIM 614944.

gnomAD v4.1: 23 of 1,579,190 alleles (0.0015%); highest among the groups gnomAD compares: Middle Eastern, 0.05%; no homozygotes.

Submissions (2):

Dasa
Classification: Uncertain significance for Autosomal recessive nonsyndromic hearing loss 84B. Last evaluated: 2025-12-19. Review status: criteria provided, single submitter. Criteria: DASA Assertion Criteria. Collection method: clinical testing. Allele origin: germline.
Comment: NM_001378609.3(OTOGL):c.6511-2A>C affects a canonical splice site and is predicted to disrupt normal RNA splicing. This variant is rare in population databases. The currently available literature and clinical evidence are not sufficient to establish a definitive association between this variant and the reported condition. Therefore, this variant is classified as a variant of uncertain significance.

Blueprint Genetics
Classification: Likely pathogenic for OTOGL-related disorders. Last evaluated: 2024-11-13. Review status: criteria provided, single submitter. Criteria: ACMG Guidelines, 2015. Collection method: clinical testing. Allele origin: germline. Affected: yes. Observed: 5 variant alleles.

NM_001378609.3(OTOGL):c.6511-2A>C

Gene: OTOGL (otogelin like; plus strand). Cytogenetic location: 12q21.31.
Variant type: single nucleotide variant.
Coding change: c.6511-2A>C on transcript NM_001378609.3 (MANE Select); the canonical splice acceptor site of the intron before coding-DNA position 6511, A replaced by C.
Molecular consequence: splice acceptor variant.
Genome position (GRCh38, 1-based): chr12:80,368,203, A>C. VCF-style: chr12-80368203-A-C. GRCh37 (hg19) VCF-style: chr12-80761983-A-C.
Other names: c.6376-2A>C (NM_001368062.3); c.6511-2A>C (NM_001378610.3, NM_173591.7).
Identifiers: ClinVar variation 4882822 (VCV004882822.3).